The following is an entry in ClinVar:

NM_000059.4(BRCA2):c.4214A>G (p.Asn1405Ser)

Gene: BRCA2 (BRCA2 DNA repair associated; plus strand). Cytogenetic location: 13q13.1.
Variant type: single nucleotide variant.
Coding change: c.4214A>G on transcript NM_000059.4 (MANE Select); coding-DNA position 4214, A replaced by G.
Protein change: p.Asn1405Ser; replaces asparagine 1405 with serine.
Molecular consequence: missense variant.
Genome position (GRCh38, 1-based): chr13:32,338,569, A>G. VCF-style: chr13-32338569-A-G. GRCh37 (hg19) VCF-style: chr13-32912706-A-G.
Other names: short protein forms N1405S.
Identifiers: ClinVar variation 1616915 (VCV001616915.12), dbSNP rs2137504065, ClinGen allele CA387780274.

ClinVar aggregate classification (germline): Conflicting classifications of pathogenicity. Review status: criteria provided, conflicting classifications (1 of 4 stars). 3 submissions from 3 submitters: Uncertain significance (1); Likely benign (2). Last evaluated 2025-11-15.

Conditions:
Hereditary breast ovarian cancer syndrome. Also called: Hereditary breast and ovarian cancer syndrome (HBOC); Breast and ovarian cancer; BRCA1- and BRCA2-Associated Hereditary Breast and Ovarian Cancer; Hereditary breast and/or ovarian cancer syndrome; Hereditary breast and ovarian cancer; Hereditary breast and ovarian cancer syndrome. Identifiers: Orphanet 145, MedGen C0677776, MeSH D061325, MONDO:0003582. Disease mechanism: loss of function.
Hereditary cancer-predisposing syndrome. Also called: Tumor predisposition; Hereditary neoplastic syndrome; Neoplastic Syndromes, Hereditary; Hereditary Cancer Syndrome. Identifiers: Orphanet 140162, MedGen C0027672, MeSH D009386, MONDO:0015356.

Submissions (3):

Ambry Genetics
Classification: Uncertain significance for Hereditary cancer-predisposing syndrome. Last evaluated: 2025-11-15. Review status: criteria provided, single submitter. Criteria: Ambry Variant Classification Scheme 2023. Collection method: clinical testing. Allele origin: germline.
Comment: The p.N1405S variant (also known as c.4214A>G), located in coding exon 10 of the BRCA2 gene, results from an A to G substitution at nucleotide position 4214. The asparagine at codon 1405 is replaced by serine, an amino acid with highly similar properties. This amino acid position is not well conserved in available vertebrate species. In addition, this alteration is predicted to be tolerated by in silico analysis. Since supporting evidence is limited at this time, the clinical significance of this alteration remains unclear.

University of Washington Department of Laboratory Medicine, University of Washington
Classification: Likely benign for Hereditary cancer-predisposing syndrome. Last evaluated: 2023-03-23. Review status: criteria provided, single submitter. Criteria: Dines et al. (Genet Med. 2020). Collection method: curation. Allele origin: germline.
Comment: Missense variant in a coldspot region where missense variants are very unlikely to be pathogenic (PMID:31911673).

BRCA2 exon 11 coldspot. Reclassification based on statistical prior probability.

Labcorp Genetics (formerly Invitae), Labcorp
Classification: Likely benign for Hereditary breast ovarian cancer syndrome. Last evaluated: 2021-11-17. Review status: criteria provided, single submitter. Criteria: Invitae Variant Classification Sherloc (09022015). Collection method: clinical testing. Allele origin: germline.